The following is an entry in ClinVar:

ClinVar aggregate classification (germline): Benign. Review status: criteria provided, multiple submitters, no conflicts (2 of 4 stars). 3 submissions from 3 submitters: Benign (3). Last evaluated 2024-01-24.

Allele frequency attached by ClinVar (database versions not stated): gnomAD 0.77799 and 0.77840; TOPMed 0.78720; 1000 Genomes Project 0.82768; 1000 Genomes Project 30x 0.82823.
gnomAD v4.1: 528,324 of 710,018 alleles (74%); highest among the groups gnomAD compares: East Asian, 91%; 198,195 homozygotes.

Submissions (3):

Unidad de Genómica Garrahan, Hospital de Pediatría Garrahan
Classification: Benign. Last evaluated: 2024-01-24. Review status: criteria provided, single submitter. Criteria: ACMG Guidelines, 2015. Collection method: clinical testing. Allele origin: germline. Affected: no. Observed: 48 variant alleles.
Comment: This variant is classified as Benign based on local population frequency. This variant was detected in 51% of patients studied by a panel of primary immunodeficiencies. Number of patients: 48. Only high quality variants are reported.

GeneDx
Classification: Benign. Last evaluated: 2018-06-29. Review status: criteria provided, single submitter. Criteria: GeneDx Variant Classification Process June 2021. Collection method: clinical testing. Allele origin: germline. Affected: yes.

Breakthrough Genomics
Classification: Benign. Review status: criteria provided, single submitter. Criteria: ACMG Guidelines, 2015. Collection method: not provided. Allele origin: germline. Inheritance: Autosomal recessive inheritance. Affected: yes.

NM_020964.3(EPG5):c.7227-123G>A

Gene: EPG5 (ectopic P-granules 5 autophagy tethering factor; minus strand). Cytogenetic location: 18q12.3.
Variant type: single nucleotide variant.
Coding change: c.7227-123G>A on transcript NM_020964.3 (MANE Select); 123 bases into the intron before coding-DNA position 7227, G replaced by A.
Molecular consequence: intron variant.
Genome position (GRCh38, 1-based): chr18:45,858,191, C>T on the plus strand (G>A on the coding strand, the complement: EPG5 is on the minus strand). VCF-style: chr18-45858191-C-T. GRCh37 (hg19) VCF-style: chr18-43438156-C-T.
Identifiers: ClinVar variation 1293082 (VCV001293082.5), dbSNP rs567801, ClinGen allele CA14515992.
Genomic context (GRCh38, chr18:45,858,191, plus strand): 5'-CAAGTCCACATCAGAGTTTGAAGGATAGGAGACATTCAGTACTTCAAAAGCACAGGCTAA[C>T]GGCTGATGTTAATAGAGCCATGGGATTGTAACCACCGCCATCTGTGGAACACCTACTACA-3'